The following is an entry in ClinVar:

NM_006739.4(MCM5):c.976G>A (p.Ala326Thr)

Gene: MCM5 (minichromosome maintenance complex component 5; plus strand). Cytogenetic location: 22q12.3.
Variant type: single nucleotide variant.
Coding change: c.976G>A on transcript NM_006739.4 (MANE Select); coding-DNA position 976, G replaced by A.
Protein change: p.Ala326Thr; replaces alanine 326 with threonine.
Molecular consequence: missense variant.
Genome position (GRCh38, 1-based): chr22:35,412,566, G>A. VCF-style: chr22-35412566-G-A. GRCh37 (hg19) VCF-style: chr22-35808559-G-A.
Other names: short protein forms A326T.
Identifiers: ClinVar variation 3683145 (VCV003683145.2).
Genomic context (GRCh38, chr22:35,412,566, plus strand): 5'-CAAGGCCGCAGCTTTGCTGGGGCCGTGAGCCCCCAGGAGGAGGAGGAGTTCCGTCGCCTG[G>A]CTGCCCTCCCAAATGTCTATGAGGTCATCTCCAAGAGCATCGCCCCCTCCATCTTTGGGG-3'
Protein context (NP_006730.2, residues 316-336): PQEEEEFRRL[Ala326Thr]ALPNVYEVIS

ClinVar aggregate classification (germline): Uncertain significance (1 of 4 stars; one submission).

Submission:

Labcorp Genetics (formerly Invitae), Labcorp
Classification: Uncertain significance. Last evaluated: 2024-06-17. Review status: criteria provided, single submitter. Criteria: Invitae Variant Classification Sherloc (09022015). Collection method: clinical testing. Allele origin: germline.
Comment: This sequence change replaces alanine, which is neutral and non-polar, with threonine, which is neutral and polar, at codon 326 of the MCM5 protein (p.Ala326Thr). This variant is not present in population databases (gnomAD no frequency). This variant has not been reported in the literature in individuals affected with MCM5-related conditions. Advanced modeling of protein sequence and biophysical properties (such as structural, functional, and spatial information, amino acid conservation, physicochemical variation, residue mobility, and thermodynamic stability) performed at Invitae indicates that this missense variant is not expected to disrupt MCM5 protein function with a negative predictive value of 80%. In summary, the available evidence is currently insufficient to determine the role of this variant in disease. Therefore, it has been classified as a Variant of Uncertain Significance.